The following is an entry in ClinVar:

NM_004369.4(COL6A3):c.1313-442_1595delinsGCAAC

Gene: COL6A3 (collagen type VI alpha 3 chain; minus strand). Cytogenetic location: 2q37.3.
Variant type: Indel.
Coding change: c.1313-442_1595delinsGCAAC on transcript NM_004369.4 (MANE Select); 442 bases into the intron before coding-DNA position 1313 through coding-DNA position 1595, the reference bases replaced by GCAAC.
Molecular consequence: splice acceptor variant.
Genome position (GRCh38, 1-based): chr2:237,381,217-237,381,941, 725 bases replaced. GRCh37 (hg19): chr2:238,289,860-238,290,584.
Other names: c.92-442_374delinsGCAAC (NM_057166.5, NM_057164.5); c.695-442_977delinsGCAAC (NM_057167.4, NM_057165.5).
Identifiers: ClinVar variation 2118849 (VCV002118849.4), dbSNP rs2469929211, ClinGen allele CA2580066112.

ClinVar aggregate classification (germline): Likely pathogenic (1 of 4 stars; one submission).

Conditions:
Bethlem myopathy 1A. Also called: MYOPATHY, BENIGN CONGENITAL, WITH CONTRACTURES; Bethlem myopathy 1; Bethlem Muscular Dystrophy. Identifiers: Orphanet 610, MedGen CN029274, MONDO:0024530, OMIM 158810.

Submission:

Labcorp Genetics (formerly Invitae), Labcorp
Classification: Likely pathogenic for Bethlem myopathy 1A. Last evaluated: 2022-03-28. Review status: criteria provided, single submitter. Criteria: Invitae Variant Classification Sherloc (09022015). Collection method: clinical testing. Allele origin: germline.
Comment: In summary, the currently available evidence indicates that the variant is pathogenic, but additional data are needed to prove that conclusively. Therefore, this variant has been classified as Likely Pathogenic. This variant has not been reported in the literature in individuals affected with COL6A3-related conditions. This variant results in the deletion of part of exon 5 (c.1313-442_1595delinsGCAAC) of the COL6A3 gene. It is expected to disrupt RNA splicing. Variants that disrupt the donor or acceptor splice site typically lead to a loss of protein function (PMID: 16199547), and loss-of-function variants in COL6A3 are known to be pathogenic (PMID: 26004199). This variant is not present in population databases (gnomAD no frequency).

Literature cited by the submitters: PubMed 16199547; PubMed 26004199.